The following is an entry in ClinVar:

NM_001368894.2(PAX6):c.*842G>A

Genes: ELP4 (elongator acetyltransferase complex subunit 4; plus strand), PAX6 (paired box 6; minus strand). Cytogenetic location: 11p13.
Variant type: single nucleotide variant.
Coding change: c.*842G>A on transcript NM_001368894.2 (MANE Select); 842 bases downstream of the stop codon, G replaced by A.
Molecular consequence: 3 prime UTR variant. On other transcripts: non-coding transcript variant (2).
Genome position (GRCh38, 1-based): chr11:31,789,092, C>T on the plus strand (G>A on the coding strand, the complement: PAX6 is on the minus strand). VCF-style: chr11-31789092-C-T. GRCh37 (hg19) VCF-style: chr11-31810640-C-T.
Other names: c.*5554C>T (NM_001288725.2); c.*5663C>T (NM_001288726.2); c.*5568C>T (NM_019040.5); c.*842G>A (NM_000280.6, NM_001127612.3, NM_001258462.3 and 37 more transcripts); c.*538G>A (NM_001368911.2, NM_001368912.2, NM_001368913.2 and 6 more transcripts).
Identifiers: ClinVar variation 877523 (VCV000877523.6), dbSNP rs115045926, ClinGen allele CA219478310.
Genomic context (GRCh38, chr11:31,789,092, plus strand): 5'-ACTCTTGCAAGCACTTTTAATTGATTAGGAATGAACTCTAGATGCACAAAATGATTGGAC[C>T]GTGAACAGTAATACAACTATATCTAAGAACAATTAACTTTTGCTGGCCAAAAAAGAAACG-3'

ClinVar aggregate classification (germline): Benign/Likely benign. Review status: criteria provided, multiple submitters, no conflicts (2 of 4 stars). 7 submissions from 2 submitters: Benign (6); Likely benign (1). Last evaluated 2022-03-10.

Conditions:
Foveal hypoplasia 1. Also called: FOVEAL HYPOPLASIA 1 WITH OR WITHOUT ANTERIOR SEGMENT ANOMALIES AND/OR CATARACT; FOVEAL HYPOPLASIA 1 WITH ANTERIOR SEGMENT ANOMALIES. Identifiers: Orphanet 2253, MedGen C3805604, MONDO:0007628, OMIM 136520.
Anophthalmia-microphthalmia syndrome. Also called: Anophthalmia/Microphthalmia; Anophthalmia - microphthalmia. Identifiers: Orphanet 98555, MedGen C5680330, MONDO:0020147.
Autosomal dominant keratitis. Also called: Keratitis, hereditary. Identifiers: Orphanet 2334, MedGen C1835698, MONDO:0007848, OMIM 148190.
Aniridia 1 (AN1). Identifiers: Orphanet 250923, MedGen C0344542, MONDO:0024507, OMIM 106210.
carboxymethyl-dextran-A2-gadolinium-DOTA.
11p partial monosomy syndrome (WAGR). Also called: WAGR syndrome; WAGR Complex; CHROMOSOME 11p13 DELETION SYNDROME; WAGR Spectrum Disorder. Identifiers: Orphanet 893, MedGen C0206115, MONDO:0008681, OMIM 194072.

Allele frequency attached by ClinVar (database versions not stated): gnomAD exomes 0.00220; gnomAD 0.01111 and 0.01172; TOPMed 0.01189; 1000 Genomes Project 0.01837; 1000 Genomes Project 30x 0.01889.
gnomAD v4.1: 1,805 of 201,584 alleles (0.9%); highest among the groups gnomAD compares: African/African-American, 3.8%; 41 homozygotes.

Submissions (7):

GeneDx
Classification: Likely benign. Last evaluated: 2022-03-10. Review status: criteria provided, single submitter. Criteria: GeneDx Variant Classification Process June 2021. Collection method: clinical testing. Allele origin: germline. Affected: yes.

Illumina Laboratory Services, Illumina
Classification: Benign for Anophthalmia-microphthalmia syndrome. Last evaluated: 2018-01-12. Review status: criteria provided, single submitter. Criteria: ICSL Variant Classification Criteria 13 December 2019. Collection method: clinical testing. Allele origin: germline.
Comment: This variant was observed in the ICSL laboratory as part of a predisposition screen in an ostensibly healthy population. It had not been previously curated by ICSL or reported in the Human Gene Mutation Database (HGMD: prior to June 1st, 2018), and was therefore a candidate for classification through an automated scoring system. Utilizing variant allele frequency, disease prevalence and penetrance estimates, and inheritance mode, an automated score was calculated to assess if this variant is too frequent to cause the disease. Based on the score and internal cut-off values, a variant classified as benign is not then subjected to further curation. The score for this variant resulted in a classification of benign for this disease.

Illumina Laboratory Services, Illumina
Classification: Benign for Aniridia 1. Last evaluated: 2018-01-12. Review status: criteria provided, single submitter. Criteria: ICSL Variant Classification Criteria 13 December 2019. Collection method: clinical testing. Allele origin: germline.
Comment: the same text as in the submission from Illumina Laboratory Services, Illumina above.

Illumina Laboratory Services, Illumina
Classification: Benign for Foveal hypoplasia 1. Last evaluated: 2018-01-12. Review status: criteria provided, single submitter. Criteria: ICSL Variant Classification Criteria 13 December 2019. Collection method: clinical testing. Allele origin: germline.
Comment: the same text as in the submission from Illumina Laboratory Services, Illumina above.

Illumina Laboratory Services, Illumina
Classification: Benign for carboxymethyl-dextran-A2-gadolinium-DOTA. Last evaluated: 2018-01-12. Review status: criteria provided, single submitter. Criteria: ICSL Variant Classification Criteria 13 December 2019. Collection method: clinical testing. Allele origin: germline.
Comment: the same text as in the submission from Illumina Laboratory Services, Illumina above.

Illumina Laboratory Services, Illumina
Classification: Benign for Autosomal dominant keratitis. Last evaluated: 2018-01-12. Review status: criteria provided, single submitter. Criteria: ICSL Variant Classification Criteria 13 December 2019. Collection method: clinical testing. Allele origin: germline.
Comment: the same text as in the submission from Illumina Laboratory Services, Illumina above.

Illumina Laboratory Services, Illumina
Classification: Benign for Wilms tumor, aniridia, genitourinary anomalies, and mental retardation syndrome. Last evaluated: 2018-01-12. Review status: criteria provided, single submitter. Criteria: ICSL Variant Classification Criteria 13 December 2019. Collection method: clinical testing. Allele origin: germline.
Comment: the same text as in the submission from Illumina Laboratory Services, Illumina above.